The following is an entry in ClinVar:

ClinVar aggregate classification (germline): Benign/Likely benign. Review status: criteria provided, multiple submitters, no conflicts (2 of 4 stars). 4 submissions from 4 submitters: Benign (1); Likely benign (3). Last evaluated 2026-07-11.

Conditions:
ANKRD11-related disorder. Also called: ANKRD11-related condition.
Inborn genetic diseases. Identifiers: MedGen C0950123, MeSH D030342.
KBG syndrome (KBGS). Also called: ANKRD11-Related KBG Syndrome. Identifiers: Orphanet 2332, MedGen C0220687, MONDO:0007846, OMIM 148050.

Allele frequency attached by ClinVar (database versions not stated): ExAC 0.00006; gnomAD exomes 0.00006; gnomAD 0.00011; TOPMed 0.00014; 1000 Genomes Project 30x 0.00016; 1000 Genomes Project 0.00020; ESP Exome Variant Server 0.00031.
gnomAD v4.1: 34 of 1,613,810 alleles (0.0021%); highest among the groups gnomAD compares: African/African-American, 0.036%; no homozygotes.

Submissions (4):

PreventionGenetics, part of Exact Sciences
Classification: Likely benign for ANKRD11-related condition. Last evaluated: 2026-07-11. Review status: criteria provided, single submitter. Criteria: ACMG Guidelines, 2015. Collection method: clinical testing. Allele origin: germline.
Comment: This variant is classified as likely benign based on ACMG/AMP sequence variant interpretation guidelines (Richards et al. 2015 PMID: 25741868, with internal and published modifications).

Labcorp Genetics (formerly Invitae), Labcorp
Classification: Benign for KBG syndrome. Last evaluated: 2025-10-27. Review status: criteria provided, single submitter. Criteria: Invitae Variant Classification Sherloc (09022015). Collection method: clinical testing. Allele origin: germline.

Ambry Genetics
Classification: Likely benign for Inborn genetic diseases. Last evaluated: 2022-10-19. Review status: criteria provided, single submitter. Criteria: Ambry Variant Classification Scheme 2023. Collection method: clinical testing. Allele origin: germline.

GeneDx
Classification: Likely benign. Last evaluated: 2020-03-24. Review status: criteria provided, single submitter. Criteria: GeneDx Variant Classification Process June 2021. Collection method: clinical testing. Allele origin: germline. Affected: yes.

NM_013275.6(ANKRD11):c.2184C>G (p.Ile728Met)

Gene: ANKRD11 (ankyrin repeat domain 11; minus strand). Cytogenetic location: 16q24.3.
Variant type: single nucleotide variant.
Coding change: c.2184C>G on transcript NM_013275.6 (MANE Select); coding-DNA position 2184, C replaced by G.
Protein change: p.Ile728Met; replaces isoleucine 728 with methionine.
Molecular consequence: missense variant.
Genome position (GRCh38, 1-based): chr16:89,284,358, G>C on the plus strand (C>G on the coding strand, the complement: ANKRD11 is on the minus strand). VCF-style: chr16-89284358-G-C. GRCh37 (hg19) VCF-style: chr16-89350766-G-C.
Other names: c.2184C>G, p.Ile728Met (NM_001256182.2, NM_001256183.2); short protein forms I728M.
Identifiers: ClinVar variation 589659 (VCV000589659.11), dbSNP rs150810048, ClinGen allele CA8242626.
Genomic context (GRCh38, chr16:89,284,358, plus strand): 5'-CAGCGATCTCTCCTTTTCTGCTTTATTCGAACGGTCTTTCTCTTCTCGGAAAGACCTGCT[G>C]ATGTCTTTGTTTGTGTCTTTGATTCTCTTCAGTGATTTTTCATCTTTAAAGAGCCATTCT-3'
Protein context (NP_037407.4, residues 718-738): LKRIKDTNKD[Ile728Met]SRSFREEKDR